The following is an entry in ClinVar:

NM_001148.6(ANK2):c.9599T>A (p.Leu3200His)

Gene: ANK2 (ankyrin 2; plus strand). Cytogenetic location: 4q26.
Variant type: single nucleotide variant.
Coding change: c.9599T>A on transcript NM_001148.6 (MANE Select); coding-DNA position 9599, T replaced by A.
Protein change: p.Leu3200His; replaces leucine 3200 with histidine.
Molecular consequence: missense variant. On other transcripts: intron variant (68).
Genome position (GRCh38, 1-based): chr4:113,358,217, T>A. VCF-style: chr4-113358217-T-A. GRCh37 (hg19) VCF-style: chr4-114279373-T-A.
Other names: c.9365T>A, p.Leu3122His (NM_001386142.1); c.5999T>A, p.Leu2000His (NM_001386166.1); c.9740T>A, p.Leu3247His (NM_001386174.1); c.9716T>A, p.Leu3239His (NM_001386175.1); c.4412-2606T>A (NM_001386186.2, NM_001386148.2); c.4214-2606T>A (NM_001354269.3); c.4292-2606T>A (NM_001386187.2); c.4253-2606T>A (NM_001386147.1); and 35 more; short protein forms L2000H, L3239H, L3122H, L3247H, L3200H.
Identifiers: ClinVar variation 1406601 (VCV001406601.8), dbSNP rs2154029356, ClinGen allele CA357938185.

ClinVar aggregate classification (germline): Uncertain significance (1 of 4 stars; one submission).

Conditions:
Long QT syndrome (LQTS). Identifiers: MedGen C0023976, MeSH D008133, MONDO:0002442. Disease mechanism: loss of function. Inheritance: Various modes of inheritance.

Submission:

Labcorp Genetics (formerly Invitae), Labcorp
Classification: Uncertain significance for Long QT syndrome. Last evaluated: 2024-04-29. Review status: criteria provided, single submitter. Criteria: Invitae Variant Classification Sherloc (09022015). Collection method: clinical testing. Allele origin: germline.
Comment: This sequence change replaces leucine, which is neutral and non-polar, with histidine, which is basic and polar, at codon 3200 of the ANK2 protein (p.Leu3200His). This variant is not present in population databases (gnomAD no frequency). This variant has not been reported in the literature in individuals affected with ANK2-related conditions. ClinVar contains an entry for this variant (Variation ID: 1406601). An algorithm developed to predict the effect of missense changes on protein structure and function (PolyPhen-2) suggests that this variant is likely to be disruptive. In summary, the available evidence is currently insufficient to determine the role of this variant in disease. Therefore, it has been classified as a Variant of Uncertain Significance.